The following is an entry in ClinVar:

ClinVar aggregate classification (germline): Benign. Review status: criteria provided, multiple submitters, no conflicts (2 of 4 stars). 3 submissions from 3 submitters: Benign (3). Last evaluated 2018-08-16.

Conditions:
Behavior disorder. Also called: Behavioral disorder. Identifiers: MedGen C0004930.

Allele frequency attached by ClinVar (database versions not stated): gnomAD 0.01536; TOPMed 0.01977; 1000 Genomes Project 0.01997; 1000 Genomes Project 30x 0.02202; ESP Exome Variant Server 0.02207.
gnomAD v4.1: 4,998 of 1,586,288 alleles (0.32%); highest among the groups gnomAD compares: African/African-American, 5.9%; 127 homozygotes.

Submissions (3):

Labcorp Genetics (formerly Invitae), Labcorp
Classification: Benign. Last evaluated: 2018-08-16. Review status: criteria provided, single submitter. Criteria: Invitae Variant Classification Sherloc (09022015). Collection method: clinical testing. Allele origin: germline.

Illumina Laboratory Services, Illumina
Classification: Benign for Behavior disorder. Last evaluated: 2018-01-13. Review status: criteria provided, single submitter. Criteria: ICSL Variant Classification Criteria 13 December 2019. Collection method: clinical testing. Allele origin: germline.
Comment: This variant was observed in the ICSL laboratory as part of a predisposition screen in an ostensibly healthy population. It had not been previously curated by ICSL or reported in the Human Gene Mutation Database (HGMD: prior to June 1st, 2018), and was therefore a candidate for classification through an automated scoring system. Utilizing variant allele frequency, disease prevalence and penetrance estimates, and inheritance mode, an automated score was calculated to assess if this variant is too frequent to cause the disease. Based on the score and internal cut-off values, a variant classified as benign is not then subjected to further curation. The score for this variant resulted in a classification of benign for this disease.

Breakthrough Genomics
Classification: Benign. Review status: criteria provided, single submitter. Criteria: ACMG Guidelines, 2015. Collection method: not provided. Allele origin: germline. Inheritance: Autosomal dominant inheritance. Affected: yes.

NM_001045.6(SLC6A4):c.1317G>A (p.Thr439=)

Gene: SLC6A4 (solute carrier family 6 member 4; minus strand). Cytogenetic location: 17q11.2.
Variant type: single nucleotide variant.
Coding change: c.1317G>A on transcript NM_001045.6 (MANE Select); coding-DNA position 1317, G replaced by A.
Protein change: p.Thr439=; no amino-acid change (threonine 439 retained).
Molecular consequence: synonymous variant.
Genome position (GRCh38, 1-based): chr17:30,211,312, C>T on the plus strand (G>A on the coding strand, the complement: SLC6A4 is on the minus strand). VCF-style: chr17-30211312-C-T. GRCh37 (hg19) VCF-style: chr17-28538330-C-T.
Identifiers: ClinVar variation 322532 (VCV000322532.9), dbSNP rs6353, ClinGen allele CA8480207.